The following is an entry in ClinVar:

NM_194248.3(OTOF):c.1702del (p.Arg568fs)

Gene: OTOF (otoferlin; minus strand). Cytogenetic location: 2p23.3.
Variant type: Deletion.
Coding change: c.1702del on transcript NM_194248.3 (MANE Select); coding-DNA position 1702, one base deleted (C; older notation c.1702delC).
Protein change: p.Arg568fs; shifts the reading frame from arginine 568.
Molecular consequence: frameshift variant.
Genome position (GRCh38, 1-based): chr2:26,480,887, G deleted on the plus strand (C on the coding strand, the reverse complement: OTOF is on the minus strand); the first of 3 consecutive G bases (chr2:26,480,887-26,480,889); deleting any one gives the same sequence. VCF-style (leftmost placement, unchanged base first): chr2-26480886-CG-C. GRCh37 (hg19) VCF-style: chr2-26703754-CG-C.
Other names: c.1702del, p.Arg568fs (NM_001287489.2); short protein forms R568fs.
Identifiers: ClinVar variation 4879921 (VCV004879921.1).

ClinVar aggregate classification (germline): Pathogenic (0 of 4 stars; one submission).

Conditions:
Autosomal recessive nonsyndromic hearing loss 9. Also called: NEUROSENSORY NONSYNDROMIC RECESSIVE DEAFNESS 9; OTOF-Related Hearing Loss; Deafness, autosomal recessive 9; AUDITORY NEUROPATHY, AUTOSOMAL RECESSIVE, 1, TEMPERATURE-SENSITIVE. Identifiers: Orphanet 90636, MedGen C1832828, MONDO:0010986, OMIM 601071.

Submission:

Diagnosis and Treatment Center of Genetic Hearing Loss, Eye & ENT Hospital of Fudan University
Classification: Pathogenic for Autosomal recessive nonsyndromic hearing loss 9. Last evaluated: 2026-02-04. Review status: no assertion criteria provided. Collection method: clinical testing. Allele origin: germline. Inheritance: Autosomal recessive inheritance. Affected: yes.
Comment: The c.1702delC frameshift variant in OTOF leads to a premature stop codon and predicted NMD (PVS1). The maximum population frequency is 0.000008 (PM2_Supporting). It segregates in two affected family members (PP1).